The following is an entry in ClinVar:

NM_003242.6(TGFBR2):c.39C>T (p.His13=)

Gene: TGFBR2 (transforming growth factor beta receptor 2; plus strand). Cytogenetic location: 3p24.1.
Variant type: single nucleotide variant.
Coding change: c.39C>T on transcript NM_003242.6 (MANE Select); coding-DNA position 39, C replaced by T.
Protein change: p.His13=; no amino-acid change (histidine 13 retained).
Molecular consequence: synonymous variant. On other transcripts: 5 prime UTR variant (4), intron variant (2).
Genome position (GRCh38, 1-based): chr3:30,606,922, C>T. VCF-style: chr3-30606922-C-T. GRCh37 (hg19) VCF-style: chr3-30648414-C-T.
Other names: c.39C>T, p.His13= (NM_001024847.3, NM_001407126.1, NM_001407127.1 and 4 more transcripts); c.-245C>T (NM_001407133.1); c.-123C>T (NM_001407134.1); c.-170C>T (NM_001407135.1); c.-255C>T (NM_001407136.1); c.-12+329C>T (NM_001407129.1, NM_001407132.1); c.39C>T (NM_003242.5).
Identifiers: ClinVar variation 3386052 (VCV003386052.2).

ClinVar aggregate classification (germline): Likely benign. Review status: criteria provided, multiple submitters, no conflicts (2 of 4 stars). 2 submissions from 2 submitters: Likely benign (2). Last evaluated 2025-09-21.

Conditions:
Loeys-Dietz syndrome 2 (LDS2). Also called: TGFBR2-Related Loeys-Dietz Syndrome; AORTIC ANEURYSM, FAMILIAL THORACIC 3; MARFAN SYNDROME, TYPE II; Marfan syndrome, type 2 (formerly); Marfan Syndrome type 2; Marfan like connective tissue disorder. Identifiers: Orphanet 284973, Orphanet 558, MedGen C2674574, MONDO:0012427, OMIM 610168.
Familial thoracic aortic aneurysm and aortic dissection (TAAD). Also called: Thoracic aortic aneurysms and dissections. Identifiers: Orphanet 91387, MedGen C4707243, MONDO:0019625.

gnomAD v4.1: 3 of 1,599,712 alleles (0.00019%); highest among the groups gnomAD compares: Non-Finnish European, 0.00026%; no homozygotes.

Submissions (2):

Ambry Genetics
Classification: Likely benign for Familial thoracic aortic aneurysm and aortic dissection. Last evaluated: 2025-09-21. Review status: criteria provided, single submitter. Criteria: Ambry Variant Classification Scheme 2023. Collection method: clinical testing. Allele origin: germline.

All of Us Research Program, National Institutes of Health
Classification: Likely benign for Loeys-Dietz syndrome 2. Last evaluated: 2024-08-13. Review status: criteria provided, single submitter. Criteria: ACMG Guidelines, 2015. Collection method: clinical testing. Allele origin: germline. Inheritance: Autosomal dominant inheritance. Observed: 1 variant allele, 1 heterozygote.
Comment: This study involves interpretation of variants in research participants for the purpose of population health screening. Participant phenotype was not available at the time of variant classification. Additional details can be found in publication PMID: 35346344, PMCID: PMC8962531